The following is an entry in ClinVar:

ClinVar aggregate classification (germline): Likely benign. Review status: criteria provided, multiple submitters, no conflicts (2 of 4 stars). 3 submissions from 3 submitters: Likely benign (3). Last evaluated 2025-06-18.

Conditions:
Cardiovascular phenotype. Identifiers: MedGen CN230736.
Dilated cardiomyopathy 1JJ (CMD1JJ). Identifiers: Orphanet 154, MedGen C3808935, MONDO:0014095, OMIM 615235.

Allele frequency attached by ClinVar (database versions not stated): TOPMed 0.00002.
gnomAD v4.1: 8 of 1,613,112 alleles (0.0005%); highest among the groups gnomAD compares: Non-Finnish European, 0.00068%; no homozygotes.

Submissions (3):

Labcorp Genetics (formerly Invitae), Labcorp
Classification: Likely benign for Dilated cardiomyopathy 1JJ. Last evaluated: 2025-06-18. Review status: criteria provided, single submitter. Criteria: Invitae Variant Classification Sherloc (09022015). Collection method: clinical testing. Allele origin: germline.

Ambry Genetics
Classification: Likely benign for Cardiovascular phenotype. Last evaluated: 2022-11-27. Review status: criteria provided, single submitter. Criteria: Ambry Variant Classification Scheme 2023. Collection method: clinical testing. Allele origin: germline.

Laboratory for Molecular Medicine, Mass General Brigham Personalized Medicine
Classification: Likely benign. Last evaluated: 2015-02-12. Review status: criteria provided, single submitter. Criteria: LMM Criteria. Collection method: clinical testing. Allele origin: germline. Observed: 1 variant allele.
Comment: p.Leu1661Leu in exon 36 of LAMA4: This variant is not expected to have clinical significance because it does not alter an amino acid residue and is not located within the splice consensus sequence.

NM_001105206.3(LAMA4):c.5002T>C (p.Leu1668=)

Gene: LAMA4 (laminin subunit alpha 4; minus strand). Cytogenetic location: 6q21.
Variant type: single nucleotide variant.
Coding change: c.5002T>C on transcript NM_001105206.3 (MANE Select); coding-DNA position 5002, T replaced by C.
Protein change: p.Leu1668=; no amino-acid change (leucine 1668 retained).
Molecular consequence: synonymous variant.
Genome position (GRCh38, 1-based): chr6:112,115,973, A>G on the plus strand (T>C on the coding strand, the complement: LAMA4 is on the minus strand). VCF-style: chr6-112115973-A-G. GRCh37 (hg19) VCF-style: chr6-112437176-A-G.
Other names: c.4981T>C, p.Leu1661= (NM_001105207.3, NM_002290.5).
Identifiers: ClinVar variation 227481 (VCV000227481.16), dbSNP rs369799390, ClinGen allele CA3964839.